The following is an entry in ClinVar:

ClinVar aggregate classification (germline): Benign/Likely benign. Review status: criteria provided, single submitter (1 of 4 stars). 2 submissions from 1 submitter: Benign (1); Likely benign (1). Last evaluated 2018-01-12.

Conditions:
Familial hyperinsulinism. Also called: Congenital hyperinsulinism. Identifiers: Orphanet 276525, MedGen C3888018, MONDO:0017182. Disease mechanism: loss of function.
Maturity-onset diabetes of the young type 1. Also called: MILD JUVENILE DIABETES MELLITUS; MODY type 1; Diabetes mellitus MODY type 1; MODY HNF4A related; MODY, type I; HNF4A-Related Maturity-Onset Diabetes of the Young Type 1. Identifiers: Orphanet 552, MedGen C1852093, MONDO:0007452, OMIM 125850. Disease mechanism: loss of function.

Allele frequency attached by ClinVar (database versions not stated): TOPMed 0.00002; 1000 Genomes Project 30x 0.00281; 1000 Genomes Project 0.00319.
gnomAD v4.1: 1,090 of 1,452,424 alleles (0.075%); highest among the groups gnomAD compares: South Asian, 1.2%; 24 homozygotes.

Submissions (2):

Illumina Laboratory Services, Illumina
Classification: Benign for Maturity-onset diabetes of the young type 1. Last evaluated: 2018-01-12. Review status: criteria provided, single submitter. Criteria: ICSL Variant Classification Criteria 13 December 2019. Collection method: clinical testing. Allele origin: germline.
Comment: This variant was observed in the ICSL laboratory as part of a predisposition screen in an ostensibly healthy population. It had not been previously curated by ICSL or reported in the Human Gene Mutation Database (HGMD: prior to June 1st, 2018), and was therefore a candidate for classification through an automated scoring system. Utilizing variant allele frequency, disease prevalence and penetrance estimates, and inheritance mode, an automated score was calculated to assess if this variant is too frequent to cause the disease. Based on the score and internal cut-off values, a variant classified as benign is not then subjected to further curation. The score for this variant resulted in a classification of benign for this disease.

Illumina Laboratory Services, Illumina
Classification: Likely benign for Familial hyperinsulinism. Last evaluated: 2018-01-12. Review status: criteria provided, single submitter. Criteria: ICSL Variant Classification Criteria 13 December 2019. Collection method: clinical testing. Allele origin: germline.
Comment: This variant was observed in the ICSL laboratory as part of a predisposition screen in an ostensibly healthy population. It had not been previously curated by ICSL or reported in the Human Gene Mutation Database (HGMD: prior to June 1st, 2018), and was therefore a candidate for classification through an automated scoring system. Utilizing variant allele frequency, disease prevalence and penetrance estimates, and inheritance mode, an automated score was calculated to assess if this variant is too frequent to cause the disease. Based on the score and internal cut-off values, a variant classified as likely benign is not then subjected to further curation. The score for this variant resulted in a classification of likely benign for this disease.

NM_175914.5(HNF4A):c.*76G>T

Gene: HNF4A (hepatocyte nuclear factor 4 alpha; plus strand). Cytogenetic location: 20q13.12.
Variant type: single nucleotide variant.
Coding change: c.*76G>T on transcript NM_175914.5 (MANE Select); 76 bases downstream of the stop codon, G replaced by T.
Molecular consequence: 3 prime UTR variant.
Genome position (GRCh38, 1-based): chr20:44,429,741, G>T. VCF-style: chr20-44429741-G-T. GRCh37 (hg19) VCF-style: chr20-43058381-G-T.
Other names: c.*76G>T (NM_000457.6, NM_001030003.3, NM_001258355.2 and 3 more transcripts).
Identifiers: ClinVar variation 895252 (VCV000895252.4), dbSNP rs11574743, ClinGen allele CA315420984.